The following is an entry in ClinVar:

ClinVar aggregate classification (germline): Uncertain significance (1 of 4 stars; one submission).

Conditions:
Ehlers-Danlos syndrome, classic type, 1 (EDSCL1). Also called: Ehlers-Danlos syndrome, type 1; EHLERS-DANLOS SYNDROME, GRAVIS TYPE; EHLERS-DANLOS SYNDROME, SEVERE CLASSIC TYPE; EDS I; Ehlers-Danlos Syndrome, Classic Type, COL5A1-Related. Identifiers: MedGen C0268335, MONDO:0019567, OMIM 130000.

Submission:

Labcorp Genetics (formerly Invitae), Labcorp
Classification: Uncertain significance for Ehlers-Danlos syndrome, classic type, 1. Last evaluated: 2019-09-07. Review status: criteria provided, single submitter. Criteria: Invitae Variant Classification Sherloc (09022015). Collection method: clinical testing. Allele origin: germline.
Comment: This variant is not present in population databases (ExAC no frequency). In summary, the available evidence is currently insufficient to determine the role of this variant in disease. Therefore, it has been classified as a Variant of Uncertain Significance. Algorithms developed to predict the effect of missense changes on protein structure and function are either unavailable or do not agree on the potential impact of this missense change (SIFT: "Deleterious"; PolyPhen-2: "Probably Damaging"; Align-GVGD: "Class C0"). This variant has not been reported in the literature in individuals with COL5A1-related conditions. This sequence change replaces isoleucine with serine at codon 125 of the COL5A1 protein (p.Ile125Ser). The isoleucine residue is moderately conserved and there is a large physicochemical difference between isoleucine and serine.

NM_000093.5(COL5A1):c.374T>G (p.Ile125Ser)

Gene: COL5A1 (collagen type V alpha 1 chain; plus strand). Cytogenetic location: 9q34.3.
Variant type: single nucleotide variant.
Coding change: c.374T>G on transcript NM_000093.5 (MANE Select); coding-DNA position 374, T replaced by G.
Protein change: p.Ile125Ser; replaces isoleucine 125 with serine.
Molecular consequence: missense variant.
Genome position (GRCh38, 1-based): chr9:134,700,005, T>G. VCF-style: chr9-134700005-T-G. GRCh37 (hg19) VCF-style: chr9-137591851-T-G.
Other names: c.374T>G, p.Ile125Ser (NM_001278074.1); short protein forms I125S.
Identifiers: ClinVar variation 941418 (VCV000941418.11), dbSNP rs1833612402, ClinGen allele CA375442853.